The following is an entry in ClinVar:

NM_005477.3(HCN4):c.1693G>C (p.Asp565His)

Gene: HCN4 (hyperpolarization activated cyclic nucleotide gated potassium channel 4; minus strand). Cytogenetic location: 15q24.1.
Variant type: single nucleotide variant.
Coding change: c.1693G>C on transcript NM_005477.3 (MANE Select); coding-DNA position 1693, G replaced by C.
Protein change: p.Asp565His; replaces aspartic acid 565 with histidine.
Molecular consequence: missense variant.
Genome position (GRCh38, 1-based): chr15:73,325,342, C>G on the plus strand (G>C on the coding strand, the complement: HCN4 is on the minus strand). VCF-style: chr15-73325342-C-G. GRCh37 (hg19) VCF-style: chr15-73617683-C-G.
Other names: c.1693G>C (NM_005477.2); short protein forms D565H.
Identifiers: ClinVar variation 1488909 (VCV001488909.9), dbSNP rs201811340, ClinGen allele CA393091952.

ClinVar aggregate classification (germline): Uncertain significance. Review status: criteria provided, multiple submitters, no conflicts (2 of 4 stars). 2 submissions from 2 submitters: Uncertain significance (2). Last evaluated 2026-02-17.

Conditions:
Brugada syndrome 8 (BRGDA8). Identifiers: Orphanet 130, MedGen C2751083, MONDO:0013148, OMIM 613123.
Cardiovascular phenotype. Identifiers: MedGen CN230736.

gnomAD v4.1: 5 of 1,614,136 alleles (0.00031%); highest among the groups gnomAD compares: Non-Finnish European, 0.00042%; no homozygotes.

Submissions (2):

Ambry Genetics
Classification: Uncertain significance for Cardiovascular phenotype. Last evaluated: 2026-02-17. Review status: criteria provided, single submitter. Criteria: Ambry Variant Classification Scheme 2023. Collection method: clinical testing. Allele origin: germline.

Labcorp Genetics (formerly Invitae), Labcorp
Classification: Uncertain significance for Brugada syndrome 8. Last evaluated: 2025-01-05. Review status: criteria provided, single submitter. Criteria: Invitae Variant Classification Sherloc (09022015). Collection method: clinical testing. Allele origin: germline.
Comment: This sequence change replaces aspartic acid, which is acidic and polar, with histidine, which is basic and polar, at codon 565 of the HCN4 protein (p.Asp565His). This variant is not present in population databases (gnomAD no frequency). This variant has not been reported in the literature in individuals affected with HCN4-related conditions. ClinVar contains an entry for this variant (Variation ID: 1488909). Invitae Evidence Modeling of protein sequence and biophysical properties (such as structural, functional, and spatial information, amino acid conservation, physicochemical variation, residue mobility, and thermodynamic stability) indicates that this missense variant is expected to disrupt HCN4 protein function with a positive predictive value of 95%. In summary, the available evidence is currently insufficient to determine the role of this variant in disease. Therefore, it has been classified as a Variant of Uncertain Significance.